The following is an entry in ClinVar:

NM_001723.7(DST):c.6340C>G (p.Gln2114Glu)

Gene: DST (dystonin; minus strand). Cytogenetic location: 6p12.1.
Variant type: single nucleotide variant.
Coding change: c.6340C>G on transcript NM_001723.7 (MANE Plus Clinical); coding-DNA position 6340, C replaced by G.
Protein change: p.Gln2114Glu; replaces glutamine 2114 with glutamic acid.
Molecular consequence: missense variant. On other transcripts: intron variant (10).
Genome position (GRCh38, 1-based): chr6:56,617,127, G>C on the plus strand (C>G on the coding strand, the complement: DST is on the minus strand). VCF-style: chr6-56617127-G-C. GRCh37 (hg19) VCF-style: chr6-56481925-G-C.
Other names: c.4831-2643C>G (NM_001144769.5); c.4930-2643C>G (NM_001374722.1, NM_001374736.1); c.4957-2643C>G (NM_001374734.1); c.4417-2643C>G (NM_001144770.2); c.4297-2643C>G (NM_001374730.1, NM_001386100.1, NM_183380.4 and 1 more transcripts); c.3319-2643C>G (NM_015548.5); short protein forms Q2114E.
Identifiers: ClinVar variation 1442668 (VCV001442668.5), dbSNP rs758549287, ClinGen allele CA3870188.

ClinVar aggregate classification (germline): Uncertain significance (1 of 4 stars; one submission).

Conditions:
Epidermolysis bullosa simplex 3, localized or generalized intermediate, with BP230 deficiency (EBS3). Also called: Epidermolysis bullosa simplex due to BP230 deficiency; Epidermolysis bullosa simplex, autosomal recessive 2. Identifiers: Orphanet 412181, MedGen C3809470, MONDO:0014180, OMIM 615425.
Hereditary sensory and autonomic neuropathy type 6. Also called: HSAN VI; Neuropathy, hereditary sensory and autonomic, type VI. Identifiers: Orphanet 314381, MedGen C3539003, MONDO:0013839, OMIM 614653.

Allele frequency attached by ClinVar (database versions not stated): gnomAD exomes 0.00001; ExAC 0.00002.
gnomAD v4.1: 3 of 1,610,478 alleles (0.00019%); highest among the groups gnomAD compares: Non-Finnish European, 0.00025%; no homozygotes.

Submission:

Labcorp Genetics (formerly Invitae), Labcorp
Classification: Uncertain significance for Epidermolysis bullosa simplex 3, localized or generalized intermediate, with BP230 deficiency; Hereditary sensory and autonomic neuropathy type 6. Last evaluated: 2021-09-01. Review status: criteria provided, single submitter. Criteria: Invitae Variant Classification Sherloc (09022015). Collection method: clinical testing. Allele origin: germline.
Comment: This sequence change replaces glutamine with glutamic acid at codon 2114 of the DST protein (p.Gln2114Glu). The glutamine residue is weakly conserved and there is a small physicochemical difference between glutamine and glutamic acid. This variant is present in population databases (rs758549287, ExAC 0.003%). This variant has not been reported in the literature in individuals affected with DST-related conditions. Algorithms developed to predict the effect of missense changes on protein structure and function (SIFT, PolyPhen-2, Align-GVGD) all suggest that this variant is likely to be tolerated. In summary, the available evidence is currently insufficient to determine the role of this variant in disease. Therefore, it has been classified as a Variant of Uncertain Significance.